The following is an entry in ClinVar:

NM_018263.6(ASXL2):c.928G>T (p.Val310Leu)

Gene: ASXL2 (ASXL transcriptional regulator 2; minus strand). Cytogenetic location: 2p23.3.
Variant type: single nucleotide variant.
Coding change: c.928G>T on transcript NM_018263.6 (MANE Select); coding-DNA position 928, G replaced by T.
Protein change: p.Val310Leu; replaces valine 310 with leucine.
Molecular consequence: missense variant.
Genome position (GRCh38, 1-based): chr2:25,759,493, C>A on the plus strand (G>T on the coding strand, the complement: ASXL2 is on the minus strand). VCF-style: chr2-25759493-C-A. GRCh37 (hg19) VCF-style: chr2-25982362-C-A.
Other names: c.754G>T, p.Val252Leu (NM_001369346.1); c.148G>T, p.Val50Leu (NM_001369347.1); short protein forms V252L, V310L, V50L.
Identifiers: ClinVar variation 4881846 (VCV004881846.2).
Genomic context (GRCh38, chr2:25,759,493, plus strand): 5'-GTATACATAAACAGCTATTTTTAAAATCTTAAGGAGTTCAATGACGCACCTGTCGATCTA[C>A]CTCTGGGAGTAGTAAAAGCAGTCGTTGCTGGCAATCTCCAGGAAGGACTGAAAATGTGTG-3'
Protein context (NP_060733.4, residues 300-320): QQRLLLLLPE[Val310Leu]DRQVGPDGLM

ClinVar aggregate classification (germline): Uncertain significance (1 of 4 stars; one submission).

Conditions:
Shashi-Pena syndrome (SHAPNS). Identifiers: Orphanet 689408, MedGen C4310672, MONDO:0014963, OMIM 617190.

Submission:

Dasa
Classification: Uncertain significance for Shashi-Pena syndrome. Last evaluated: 2026-01-02. Review status: criteria provided, single submitter. Criteria: DASA Assertion Criteria. Collection method: clinical testing. Allele origin: germline.
Comment: NM_018263.6(ASXL2):c.928G>T (p.Val310Leu) is a missense variant that results in the substitution of valine with leucine. This variant is rare in population databases. The currently available literature and clinical evidence are not sufficient to establish a definitive association between this variant and the reported condition. Therefore, this variant is classified as a variant of uncertain significance.